The following is an entry in ClinVar:

ClinVar aggregate classification (germline): Benign/Likely benign. Review status: criteria provided, multiple submitters, no conflicts (2 of 4 stars). 4 submissions from 4 submitters: Benign (2); Likely benign (1). 1 of the submissions does not count toward it. Last evaluated 2024-09-12.

Conditions:
FBXL4-related disorder. Also called: FBXL4-related condition.
Mitochondrial DNA depletion syndrome 13. Also called: Mitochondrial DNA depletion syndrome 13 (encephalomyopathic type); FBXL4-Related Encephalomyopathic Mitochondrial DNA Depletion Syndrome. Identifiers: Orphanet 369897, MedGen C3809592, MONDO:0014198, OMIM 615471.

Allele frequency attached by ClinVar (database versions not stated): gnomAD exomes 0.00033 and 0.00091; ExAC 0.00105; ESP Exome Variant Server 0.00331; gnomAD 0.00338 and 0.00361; 1000 Genomes Project 0.00359; 1000 Genomes Project 30x 0.00406; TOPMed 0.00446.
gnomAD v4.1: 1,021 of 1,575,596 alleles (0.065%); highest among the groups gnomAD compares: African/African-American, 1.2%; 7 homozygotes.

Submissions (4):

Blueprint Genetics
Classification: Likely benign. Last evaluated: 2024-09-12. Review status: criteria provided, single submitter. Criteria: ACMG Guidelines, 2015. Collection method: clinical testing. Allele origin: germline.

GeneDx
Classification: Benign. Last evaluated: 2020-02-04. Review status: criteria provided, single submitter. Criteria: GeneDx Variant Classification Process June 2021. Collection method: clinical testing. Allele origin: germline. Affected: yes.

Wong Mito Lab, Molecular and Human Genetics, Baylor College of Medicine
Classification: Benign for Mitochondrial DNA depletion syndrome 13. Last evaluated: 2017-08-10. Review status: criteria provided, single submitter. Criteria: ACMG Guidelines, 2015. Collection method: reference population. Allele origin: germline.
Comment: The NM_012160.4:c.*5A>G (NP_036292.2:p.=) [GRCH38: NC_000006.12:g.98874273T>C] variant in FBXL4 gene is interpretated to be a Benign based on ACMG guidelines (PMID: 25741868). This variant meets one or more of the following evidence codes reported in the ACMG-guideline. BS1:The minor allele frequency of this allele is high for Mitochondrial DNA depletion syndrome 13. BS2:Observation of the variant is in controls is inconsistent with penetrance of Mitochondrial DNA depletion syndrome 13. BP4:Computational evidence/predictors indicate no impact on the FBXL4 structure, function, or protein-protein interaction. Based on this evidence code ClinGen Pathogenicity Calculator (PMID:28081714) suggested that the variant is Benign.

PreventionGenetics, part of Exact Sciences
Classification: Benign for FBXL4-related condition. Last evaluated: 2020-03-30. Review status: no assertion criteria provided. Collection method: clinical testing. Allele origin: germline. Not counted in ClinVar's aggregate classification.
Comment: This variant is classified as benign based on ACMG/AMP sequence variant interpretation guidelines (Richards et al. 2015 PMID: 25741868, with internal and published modifications).

NM_001278716.2(FBXL4):c.*5A>G

Gene: FBXL4 (F-box and leucine rich repeat protein 4; minus strand). Cytogenetic location: 6q16.1.
Variant type: single nucleotide variant.
Coding change: c.*5A>G on transcript NM_001278716.2 (MANE Select); 5 bases downstream of the stop codon, A replaced by G.
Molecular consequence: 3 prime UTR variant. On other transcripts: non-coding transcript variant (1).
Genome position (GRCh38, 1-based): chr6:98,874,273, T>C on the plus strand (A>G on the coding strand, the complement: FBXL4 is on the minus strand). VCF-style: chr6-98874273-T-C. GRCh37 (hg19) VCF-style: chr6-99322149-T-C.
Other names: c.*5A>G (NM_012160.5).
Identifiers: ClinVar variation 437826 (VCV000437826.6), dbSNP rs142988015, ClinGen allele CA3933331.